The following is an entry in ClinVar:

NM_025137.4(SPG11):c.7151+6T>C

Gene: SPG11 (SPG11 vesicle trafficking associated, spatacsin; minus strand). Cytogenetic location: 15q21.1.
Variant type: single nucleotide variant.
Coding change: c.7151+6T>C on transcript NM_025137.4 (MANE Select); 6 bases into the intron after coding-DNA position 7151, T replaced by C.
Molecular consequence: intron variant.
Genome position (GRCh38, 1-based): chr15:44,564,541, A>G on the plus strand (T>C on the coding strand, the complement: SPG11 is on the minus strand). VCF-style: chr15-44564541-A-G. GRCh37 (hg19) VCF-style: chr15-44856739-A-G.
Other names: c.6812+6T>C (NM_001160227.2).
Identifiers: ClinVar variation 2107831 (VCV002107831.4), dbSNP rs2505161682, ClinGen allele CA2580089462.

ClinVar aggregate classification (germline): Uncertain significance (1 of 4 stars; one submission).

Conditions:
Hereditary spastic paraplegia 11. Also called: Spastic Paraplegia 11; Spastic paraplegia, mental retardation and thin corpus callosum; Nakamura Osame syndrome; Autosomal recessive hereditary spastic paraplegia, mental impairment, and thin corpus callosum; SPASTIC PARAPLEGIA, AUTOSOMAL RECESSIVE, COMPLICATED, WITH THIN CORPUS CALLOSUM; SPASTIC PARAPLEGIA, AUTOSOMAL RECESSIVE, WITH MENTAL IMPAIRMENT AND THIN CORPUS CALLOSUM. Identifiers: Orphanet 2822, MedGen C1858479, MONDO:0011445, OMIM 604360.

Submission:

Labcorp Genetics (formerly Invitae), Labcorp
Classification: Uncertain significance for Hereditary spastic paraplegia 11. Last evaluated: 2025-01-06. Review status: criteria provided, single submitter. Criteria: Invitae Variant Classification Sherloc (09022015). Collection method: clinical testing. Allele origin: germline.
Comment: This sequence change falls in intron 39 of the SPG11 gene. It does not directly change the encoded amino acid sequence of the SPG11 protein. It affects a nucleotide within the consensus splice site. This variant is not present in population databases (gnomAD no frequency). This variant has not been reported in the literature in individuals affected with SPG11-related conditions. ClinVar contains an entry for this variant (Variation ID: 2107831). Variants that disrupt the consensus splice site are a relatively common cause of aberrant splicing (PMID: 17576681, 9536098). Algorithms developed to predict the effect of sequence changes on RNA splicing suggest that this variant is not likely to affect RNA splicing. In summary, the available evidence is currently insufficient to determine the role of this variant in disease. Therefore, it has been classified as a Variant of Uncertain Significance.

Literature cited by the submitters: PubMed 17576681; PubMed 9536098.